The following is an entry in ClinVar:

ClinVar aggregate classification (germline): Pathogenic. Review status: criteria provided, multiple submitters, no conflicts (2 of 4 stars). 4 submissions from 4 submitters: Pathogenic (4). Last evaluated 2023-05-04.

Conditions:
Hereditary cancer-predisposing syndrome. Also called: Neoplastic Syndromes, Hereditary; Hereditary Cancer Syndrome; Hereditary neoplastic syndrome; Tumor predisposition. Identifiers: Orphanet 140162, MedGen C0027672, MeSH D009386, MONDO:0015356.
Familial adenomatous polyposis 1 (FAP1). Also called: POLYPOSIS, ADENOMATOUS INTESTINAL; FAMILIAL ADENOMATOUS POLYPOSIS 1, ATTENUATED. Identifiers: MedGen C2713442, MONDO:0021056, OMIM 175100. Disease mechanism: loss of function.

Submissions (4):

Ambry Genetics
Classification: Pathogenic for Hereditary cancer-predisposing syndrome. Last evaluated: 2023-05-04. Review status: criteria provided, single submitter. Criteria: Ambry Variant Classification Scheme 2023. Collection method: clinical testing. Allele origin: germline.
Comment: The c.2016_2017delTA pathogenic mutation, located in coding exon 15 of the APC gene, results from a deletion of two nucleotides at nucleotide positions 2016 to 2017, causing a translational frameshift with a predicted alternate stop codon (p.H672Qfs*7). This alteration has been observed in at least one individual with a personal and/or family history that is consistent with APC-related disease (Ambry internal data). This alteration was identified in 1/934 French patients with FAP (Lagarde A et al. J. Med. Genet., 2010 Oct;47:721-2). It was also detected in a Tunisian family with FAP (Miladi-Abdennadher I et al. Fam. Cancer, 2011 Sep;10:567-71). This alteration occurs at the 3' terminus of theAPC gene, is not expected to trigger nonsense-mediated mRNA decay, and only impacts the last 2172 amino acids of the protein. However, premature stop codons are typically deleterious in nature and a significant portion of the protein is affected (Ambry internal data). This variant is considered to be rare based on population cohorts in the Genome Aggregation Database (gnomAD). Based on the supporting evidence, this alteration is interpreted as a disease-causing mutation.

Myriad Genetics, Inc.
Classification: Pathogenic for Familial adenomatous polyposis 1. Last evaluated: 2023-05-03. Review status: criteria provided, single submitter. Criteria: Myriad Autosomal Dominant, Autosomal Recessive and X-Linked Classification Criteria (2023). Collection method: clinical testing. Allele origin: unknown.
Comment: This variant is considered pathogenic. This variant creates a frameshift predicted to result in premature protein truncation.

Baylor Genetics
Classification: Pathogenic for Familial adenomatous polyposis 1. Last evaluated: 2023-01-23. Review status: criteria provided, single submitter. Criteria: ACMG Guidelines, 2015. Collection method: clinical testing. Allele origin: unknown.

Labcorp Genetics (formerly Invitae), Labcorp
Classification: Pathogenic for Familial adenomatous polyposis 1. Last evaluated: 2021-05-20. Review status: criteria provided, single submitter. Criteria: Invitae Variant Classification Sherloc (09022015). Collection method: clinical testing. Allele origin: germline.
Comment: A different truncation (p.Tyr2645Lysfs*14) that lies downstream of this variant has been determined to be pathogenic (PMID: 9824584, 1316610, 27081525, 8381579, 22135120, Invitae). This suggests that deletion of this region of the APC protein is causative of disease. This variant is expected to disrupt the EB1 and HDLG binding sites, which mediate interactions with the cytoskeleton (PMID: 15311282, 17293347). While functional studies have not been performed to directly test the effect on APC protein function, this suggests that disruption of the C-terminal portion of the protein is functionally important. For these reasons, this variant has been classified as Pathogenic. This sequence change creates a premature translational stop signal (p.His672Glnfs*7) in the APC gene. While this is not anticipated to result in nonsense mediated decay, it is expected to disrupt the last 2172 amino acid(s) of the APC protein. This variant is not present in population databases (ExAC no frequency). This variant has been observed in individual(s) with familial adenomatous polyposis (FAP) (PMID: 20685668, 21598003).

Literature cited by the submitters: PubMed 20685668 (cited by Ambry Genetics and Labcorp Genetics (formerly Invitae), Labcorp); PubMed 21598003 (cited by Ambry Genetics and Labcorp Genetics (formerly Invitae), Labcorp); PubMed 9824584 (cited by Labcorp Genetics (formerly Invitae), Labcorp); PubMed 1316610 (cited by Labcorp Genetics (formerly Invitae), Labcorp); PubMed 27081525 (cited by Labcorp Genetics (formerly Invitae), Labcorp); PubMed 8381579 (cited by Labcorp Genetics (formerly Invitae), Labcorp); PubMed 22135120 (cited by Labcorp Genetics (formerly Invitae), Labcorp); PubMed 15311282 (cited by Labcorp Genetics (formerly Invitae), Labcorp); PubMed 17293347 (cited by Labcorp Genetics (formerly Invitae), Labcorp).

NM_000038.6(APC):c.2016_2017del (p.His672fs)

Gene: APC (APC regulator of Wnt signaling pathway; plus strand). Cytogenetic location: 5q22.2.
Variant type: Deletion.
Coding change: c.2016_2017del on transcript NM_000038.6 (MANE Select); coding-DNA positions 2016 to 2017, 2 bases deleted (TA; older notation c.2016_2017delTA).
Protein change: p.His672fs; shifts the reading frame from histidine 672.
Molecular consequence: frameshift variant.
Genome position (GRCh38, 1-based): chr5:112,837,610-112,837,611, TA deleted; deleting any 2 consecutive bases within chr5:112,837,609-112,837,611 gives the same sequence; the c. name uses the placement nearest the transcript's 3' end. VCF-style (leftmost placement, unchanged base first): chr5-112837608-CAT-C. GRCh37 (hg19) VCF-style: chr5-112173305-CAT-C.
Other names: c.2016_2017del, p.His672fs (NM_001127510.3, NM_001354895.2); c.1962_1963del, p.His654fs (NM_001127511.3); c.2070_2071del, p.His690fs (NM_001354896.2); c.2046_2047del, p.His682fs (NM_001354897.2); c.1941_1942del, p.His647fs (NM_001354898.2); c.1932_1933del, p.His644fs (NM_001354899.2); c.1893_1894del, p.His631fs (NM_001354900.2); c.1839_1840del, p.His613fs (NM_001354901.2); and 5 more; short protein forms H389fs, H546fs, H581fs, H647fs, H672fs, H690fs, H512fs, H631fs.
Identifiers: ClinVar variation 1458213 (VCV001458213.13), dbSNP rs2149858813, ClinGen allele CA645562828.